The following is an entry in ClinVar:

NM_005055.5(RAPSN):c.360G>T (p.Gln120His)

Gene: RAPSN (receptor associated protein of the synapse; minus strand). Cytogenetic location: 11p11.2.
Variant type: single nucleotide variant.
Coding change: c.360G>T on transcript NM_005055.5 (MANE Select); coding-DNA position 360, G replaced by T.
Protein change: p.Gln120His; replaces glutamine 120 with histidine.
Molecular consequence: missense variant.
Genome position (GRCh38, 1-based): chr11:47,447,983, C>A on the plus strand (G>T on the coding strand, the complement: RAPSN is on the minus strand). VCF-style: chr11-47447983-C-A. GRCh37 (hg19) VCF-style: chr11-47469535-C-A.
Other names: c.360G>T, p.Gln120His (NM_032645.5); short protein forms Q120H.
Identifiers: ClinVar variation 304981 (VCV000304981.16), dbSNP rs780338213, ClinGen allele CA5976758.

ClinVar aggregate classification (germline): Uncertain significance. Review status: criteria provided, multiple submitters, no conflicts (2 of 4 stars). 7 submissions from 6 submitters: Uncertain significance (6). 1 of the submissions does not count toward it. Last evaluated 2026-02-20.

Conditions:
Congenital myasthenic syndrome (CMS). Also called: Congenital Myasthenic Syndromes. Identifiers: Orphanet 590, MedGen C0751882, MeSH D020294, MONDO:0018940.
RAPSN-related disorder. Also called: RAPSN-related condition; RAPSN-related disorders. Identifiers: MedGen CN239397.
Inborn genetic diseases. Identifiers: MedGen C0950123, MeSH D030342.
Fetal akinesia deformation sequence 1 (FADS1). Also called: Pena-Shokeir syndrome type I; Fetal akinesia sequence. Identifiers: Orphanet 994, MedGen C1276035, MONDO:0100101, OMIM 208150, HP:0001989.
Congenital myasthenic syndrome 11. Also called: MYASTHENIC SYNDROME, CONGENITAL, Ie; Myasthenic syndrome, congenital, 11, associated with acetylcholine receptor deficiency. Identifiers: Orphanet 590, MedGen C4225367, MONDO:0014588, OMIM 616326.

Allele frequency attached by ClinVar (database versions not stated): TOPMed 0.00001; gnomAD 0.00002; ExAC 0.00004; gnomAD exomes 0.00004.
gnomAD v4.1: 66 of 1,613,844 alleles (0.0041%); highest among the groups gnomAD compares: Non-Finnish European, 0.0049%; no homozygotes.

Submissions (7):

Myriad Genetics, Inc.
Classification: Uncertain significance for RAPSN-related disorder. Last evaluated: 2026-02-20. Review status: criteria provided, single submitter. Criteria: Myriad Autosomal Dominant, Autosomal Recessive and X-Linked Classification Criteria (2023). Collection method: clinical testing. Allele origin: unknown.
Comment: NM_005055.4(RAPSN):c.360G>T(Q120H) is a missense variant classified as a variant of uncertain significance in the context of RAPSN-related disorders. Q120H has not been observed in cases with relevant disease. Relevant functional assessments of this variant are not available in the literature. Q120H has been observed in referenced population frequency databases. In summary, there is insufficient evidence to classify NM_005055.4(RAPSN):c.360G>T(Q120H) as pathogenic or benign. Please note: this variant was assessed in the context of healthy population screening.

Ambry Genetics
Classification: Uncertain significance for Inborn genetic diseases. Last evaluated: 2025-04-20. Review status: criteria provided, single submitter. Criteria: Ambry Variant Classification Scheme 2023. Collection method: clinical testing. Allele origin: germline.

Revvity Omics, Revvity
Classification: Uncertain significance. Last evaluated: 2023-05-16. Review status: criteria provided, single submitter. Criteria: ACMG Guidelines, 2015. Collection method: clinical testing. Allele origin: germline.

Labcorp Genetics (formerly Invitae), Labcorp
Classification: Uncertain significance for Congenital myasthenic syndrome 11; Fetal akinesia deformation sequence 1. Last evaluated: 2022-02-03. Review status: criteria provided, single submitter. Criteria: Invitae Variant Classification Sherloc (09022015). Collection method: clinical testing. Allele origin: germline.
Comment: This sequence change replaces glutamine, which is neutral and polar, with histidine, which is basic and polar, at codon 120 of the RAPSN protein (p.Gln120His). This variant is present in population databases (rs780338213, gnomAD 0.007%). This variant has not been reported in the literature in individuals affected with RAPSN-related conditions. ClinVar contains an entry for this variant (Variation ID: 304981). Algorithms developed to predict the effect of missense changes on protein structure and function output the following: SIFT: "Deleterious"; PolyPhen-2: "Benign"; Align-GVGD: "Class C0". The histidine amino acid residue is found in multiple mammalian species, which suggests that this missense change does not adversely affect protein function. In summary, the available evidence is currently insufficient to determine the role of this variant in disease. Therefore, it has been classified as a Variant of Uncertain Significance.

Illumina Laboratory Services, Illumina
Classification: Uncertain significance for Fetal akinesia deformation sequence 1. Last evaluated: 2018-01-13. Review status: criteria provided, single submitter. Criteria: ICSL Variant Classification Criteria 13 December 2019. Collection method: clinical testing. Allele origin: germline.

Illumina Laboratory Services, Illumina
Classification: Uncertain significance for Congenital myasthenic syndrome 11. Last evaluated: 2018-01-13. Review status: criteria provided, single submitter. Criteria: ICSL Variant Classification Criteria 13 December 2019. Collection method: clinical testing. Allele origin: germline.

Natera, Inc.
Classification: Uncertain significance for Congenital myasthenic syndrome. Last evaluated: 2019-11-11. Review status: no assertion criteria provided. Collection method: clinical testing. Allele origin: germline. Not counted in ClinVar's aggregate classification.